The following is an entry in ClinVar:

ClinVar aggregate classification (germline): Uncertain significance (1 of 4 stars; one submission).

Conditions:
Primary ciliary dyskinesia. Also called: Ciliary dyskinesia. Identifiers: Orphanet 244, MedGen C0008780, MONDO:0016575, HP:0012265.

Submission:

Labcorp Genetics (formerly Invitae), Labcorp
Classification: Uncertain significance for Primary ciliary dyskinesia. Last evaluated: 2022-05-30. Review status: criteria provided, single submitter. Criteria: Invitae Variant Classification Sherloc (09022015). Collection method: clinical testing. Allele origin: germline.
Comment: This variant is not present in population databases (gnomAD no frequency). This variant has not been reported in the literature in individuals affected with DNAI1-related conditions. ClinVar contains an entry for this variant (Variation ID: 411840). Algorithms developed to predict the effect of missense changes on protein structure and function (SIFT, PolyPhen-2, Align-GVGD) all suggest that this variant is likely to be tolerated. In summary, the available evidence is currently insufficient to determine the role of this variant in disease. Therefore, it has been classified as a Variant of Uncertain Significance. This sequence change replaces histidine, which is basic and polar, with glutamine, which is neutral and polar, at codon 122 of the DNAI1 protein (p.His122Gln).

NM_012144.4(DNAI1):c.366T>A (p.His122Gln)

Gene: DNAI1 (dynein axonemal intermediate chain 1; plus strand). Cytogenetic location: 9p13.3.
Variant type: single nucleotide variant.
Coding change: c.366T>A on transcript NM_012144.4 (MANE Select); coding-DNA position 366, T replaced by A.
Protein change: p.His122Gln; replaces histidine 122 with glutamine.
Molecular consequence: missense variant.
Genome position (GRCh38, 1-based): chr9:34,489,427, T>A. VCF-style: chr9-34489427-T-A. GRCh37 (hg19) VCF-style: chr9-34489425-T-A.
Other names: c.366T>A, p.His122Gln (NM_001281428.2); short protein forms H122Q.
Identifiers: ClinVar variation 411840 (VCV000411840.9), dbSNP rs1060503514, ClinGen allele CA16612798.
Genomic context (GRCh38, chr9:34,489,427, plus strand): 5'-TCACTACACCCAGGTTGGGAACCTGATCCCCAAAGACTCAGATGAAGGACGGCGGCAGCA[T>A]TACCGCGATGAATTAGTGGCAGGTAGGACTCTGGGCCATCCTGAAGCTACAGCCCTGAGC-3'
Protein context (NP_036276.1, residues 112-132): PKDSDEGRRQ[His122Gln]YRDELVAGSQ